The following is an entry in ClinVar:

ClinVar aggregate classification (germline): Uncertain significance (1 of 4 stars; one submission).

Conditions:
Dilated cardiomyopathy 1G (CMD1G). Identifiers: Orphanet 154, MedGen C1858763, MONDO:0011400, OMIM 604145.

Submission:

Regional Center For Medical Genetics Timis, Louis Turcanu Emergency Hospital for Children Timisoara
Classification: Uncertain significance for Dilated cardiomyopathy 1G. Last evaluated: 2024-08-13. Review status: criteria provided, single submitter. Criteria: ACMG Guidelines, 2015. Collection method: research. Allele origin: germline. Inheritance: Autosomal dominant inheritance. Affected: yes. Observed: 1 heterozygote.
Comment: This variant is present in the healthy population databases with low frequency (gnomAD v4.1.0). This variant induces a frameshift in Novex-3 transcript with protein truncation. However, the variant is not present in the major cardiac transcripts (N2BA, N2B). Novex-3 transcript might be relevant for fetal cardiomyocytes division and its interaction with lamin A/B during the same developmental period. In adult life, the proportion of Novex-3 transcripts is estimated <10% of the total number of cardiac TTN transcripts. Therefore, the variant was classified as uncertain, according to ACMG 2015 and ClinGen criteria.

NM_001267550.2(TTN):c.11311+2263dup

Gene: TTN (titin; minus strand). Cytogenetic location: 2q31.2.
Variant type: Duplication.
Coding change: c.11311+2263dup on transcript NM_001267550.2 (MANE Select); 2263 bases into the intron after coding-DNA position 11311, one base duplicated (A; older notation c.11311+2263dupA).
Molecular consequence: intron variant. On other transcripts: frameshift variant (1).
Genome position (GRCh38, 1-based): chr2:178,750,861, T duplicated on the plus strand (A on the coding strand, the reverse complement: TTN is on the minus strand). VCF-style (leftmost placement, unchanged base first): chr2-178750860-G-GT. GRCh37 (hg19) VCF-style: chr2-179615587-G-GT.
Other names: c.11539dup, p.Thr3847fs (NM_133379.5); c.10222+2263dup (NM_003319.4); c.10798+2263dup (NM_133437.4); c.10597+2263dup (NM_133432.3); c.10360+2263dup (NM_133378.4, NM_001256850.1); short protein forms T3847fs.
Identifiers: ClinVar variation 3338303 (VCV003338303.2).
Genomic context (GRCh38, chr2:178,750,860, plus strand): 5'-GTCTCATATACTTCCTCCTTCTCACATACATTAGTGATATATGTGGATGACTCTCCAATT[G>GT]TAGTATTGGCCATAATTTCTTCCAGCTGTCCTCTTGCTTGGGTATTTTCATTTACTAGAA-3'